The following is an entry in ClinVar:

ClinVar aggregate classification (germline): Pathogenic/Likely pathogenic. Review status: criteria provided, multiple submitters, no conflicts (2 of 4 stars). 3 submissions from 3 submitters: Pathogenic (1); Likely pathogenic (2). Last evaluated 2026-02-25.

Conditions:
MCADD - Medium-chain acyl-CoA dehydrogenase deficiency – full ACADM sequencing newborn screening follow up.
Medium-chain acyl-coenzyme A dehydrogenase deficiency (ACADMD). Also called: ACADM DEFICIENCY; CARNITINE DEFICIENCY SECONDARY TO MEDIUM-CHAIN ACYL-CoA DEHYDROGENASE DEFICIENCY; MCADH DEFICIENCY; MCADD; Medium chain acyl-CoA dehydrogenase deficiency; MCAD Deficiency. Identifiers: Orphanet 42, MedGen C0220710, MONDO:0008721, OMIM 201450.

Allele frequency attached by ClinVar (database versions not stated): TOPMed below 0.00001.
gnomAD v4.1: 1 of 1,614,108 alleles (0.000062%); highest among the groups gnomAD compares: South Asian, 0.0011%; no homozygotes.

Submissions (3):

Genetics Laboratory, Great Ormond Street Hospital NHS Foundation Trust, North Thames Genomic Laboratory Hub
Classification: Likely pathogenic for MCADD - Medium-chain acyl-CoA dehydrogenase deficiency – full ACADM sequencing newborn screening follow up. Last evaluated: 2026-02-25. Review status: criteria provided, single submitter. Criteria: ACGS Best Practice Guidelines for Variant Classification in Rare Disease 2024 v1.2. Collection method: clinical testing. Allele origin: germline. Affected: yes.
Comment: PM2_moderate, PP3_supporting, PM3_supporting, PP4_moderate

Women's Health and Genetics/Laboratory Corporation of America, LabCorp
Classification: Likely pathogenic for Medium-chain acyl-coenzyme A dehydrogenase deficiency. Last evaluated: 2025-09-04. Review status: criteria provided, single submitter. Criteria: LabCorp Variant Classification Summary - May 2015. Collection method: clinical testing. Allele origin: germline.
Comment: Variant summary: ACADM c.331G>A (p.Glu111Lys) results in a conservative amino acid change in the encoded protein sequence. Algorithms developed to predict the effect of missense changes on protein structure and function are either unavailable or do not agree on the potential impact of this missense change. Consensus agreement among computation tools predict no significant impact on normal splicing. At least one publication reports experimental evidence that this variant affects mRNA splicing and results in exon skipping (Holm_2021). The variant was absent in 251436 control chromosomes (gnomAD). c.331G>A has been observed in at least one homozygous individual affected with Medium Chain Acyl-CoA Dehydrogenase Deficiency (Arnold_2009). These data indicate that the variant may be associated with disease. The following publications have been ascertained in the context of this evaluation (PMID: 20036593, 34923709, 38324470). ClinVar contains an entry for this variant (Variation ID: 2875447). Based on the evidence outlined above, the variant was classified as likely pathogenic.

Labcorp Genetics (formerly Invitae), Labcorp
Classification: Pathogenic for Medium-chain acyl-coenzyme A dehydrogenase deficiency. Last evaluated: 2024-01-09. Review status: criteria provided, single submitter. Criteria: Invitae Variant Classification Sherloc (09022015). Collection method: clinical testing. Allele origin: germline.
Comment: This sequence change replaces glutamic acid, which is acidic and polar, with lysine, which is basic and polar, at codon 111 of the ACADM protein (p.Glu111Lys). RNA analysis indicates that this missense change induces altered splicing and may result in an absent or disrupted protein product. This variant is not present in population databases (gnomAD no frequency). This missense change has been observed in individual(s) with medium-chain acyl-CoA dehydrogenase (MCAD) deficiency (Invitae). Advanced modeling of protein sequence and biophysical properties (such as structural, functional, and spatial information, amino acid conservation, physicochemical variation, residue mobility, and thermodynamic stability) performed at Invitae indicates that this missense variant is not expected to disrupt ACADM protein function with a negative predictive value of 80%. Studies have shown that this missense change results in skipping of exon 5 and introduces a premature termination codon (PMID: 34923709). The resulting mRNA is expected to undergo nonsense-mediated decay. For these reasons, this variant has been classified as Pathogenic.

Literature cited by the submitters: PubMed 20036593 (cited by Women's Health and Genetics/Laboratory Corporation of America, LabCorp); PubMed 38324470 (cited by Women's Health and Genetics/Laboratory Corporation of America, LabCorp); PubMed 34923709 (cited by Women's Health and Genetics/Laboratory Corporation of America, LabCorp and Labcorp Genetics (formerly Invitae), Labcorp).

NM_000016.6(ACADM):c.331G>A (p.Glu111Lys)

Gene: ACADM (acyl-CoA dehydrogenase medium chain; plus strand). Cytogenetic location: 1p31.1.
Variant type: single nucleotide variant.
Coding change: c.331G>A on transcript NM_000016.6 (MANE Select); coding-DNA position 331, G replaced by A.
Protein change: p.Glu111Lys; replaces glutamic acid 111 with lysine.
Molecular consequence: missense variant. On other transcripts: intron variant (1).
Genome position (GRCh38, 1-based): chr1:75,733,572, G>A. VCF-style: chr1-75733572-G-A. GRCh37 (hg19) VCF-style: chr1-76199257-G-A.
Other names: c.343G>A, p.Glu115Lys (NM_001127328.3); c.223G>A, p.Glu75Lys (NM_001286042.2); c.430G>A, p.Glu144Lys (NM_001286043.2); c.-100+650G>A (NM_001286044.2); short protein forms E144K, E75K, E111K, E115K.
Identifiers: ClinVar variation 2875447 (VCV002875447.5), dbSNP rs772061007, ClinGen allele CA340812136.